The following is an entry in ClinVar:

ClinVar aggregate classification (germline): Uncertain significance. Review status: criteria provided, multiple submitters, no conflicts (2 of 4 stars). 2 submissions from 2 submitters: Uncertain significance (2). Last evaluated 2025-09-10.

Conditions:
Renal carnitine transport defect (CDSP). Also called: Systemic primary carnitine deficiency; Primary carnitine deficiency; CARNITINE DEFICIENCY, SYSTEMIC, DUE TO DEFECT IN RENAL REABSORPTION OF CARNITINE; CARNITINE TRANSPORTER, PLASMA-MEMBRANE, DEFICIENCY OF; CARNITINE UPTAKE DEFECT; Systemic primary carnitine deficiency disease. Identifiers: Orphanet 158, MedGen C0342788, MONDO:0008919, OMIM 212140.
Inborn genetic diseases. Identifiers: MedGen C0950123, MeSH D030342.

gnomAD v4.1: 2 of 1,614,166 alleles (0.00012%); highest among the groups gnomAD compares: Non-Finnish European, 0.000085%; no homozygotes.

Submissions (2):

Ambry Genetics
Classification: Uncertain significance for Inborn genetic diseases. Last evaluated: 2025-09-10. Review status: criteria provided, single submitter. Criteria: Ambry Variant Classification Scheme 2023. Collection method: clinical testing. Allele origin: germline.

Department of Genetics of Metabolic Diseases, Institute of Medical & Molecular Genetics, Hospital Universitario Hospital La Paz
Classification: Uncertain significance for Renal carnitine transport defect. Last evaluated: 2024-09-01. Review status: criteria provided, single submitter. Criteria: ACMG Guidelines, 2015. Collection method: clinical testing. Allele origin: germline. Inheritance: Autosomal recessive inheritance. Affected: yes.
Comment: The variant NM_003060.3:c.1077T>G p.(Phe359Leu)in SLC22A5 is present at low frequency in gnomAD (0.0003977%) and has been observed in an individual with abnormal levels of free carnitine consistent with primary carnitine deficiency, carrying this variant along with a second pathogenic variant (PMID: Hidalgo Mayoral I et al., in press)

Literature cited by the submitters: PubMed 41022664 (cited by Department of Genetics of Metabolic Diseases, Institute of Medical & Molecular Genetics, Hospital Universitario Hospital La Paz).

NM_003060.4(SLC22A5):c.1077T>G (p.Phe359Leu)

Gene: SLC22A5 (solute carrier family 22 member 5; plus strand). Cytogenetic location: 5q31.1.
Variant type: single nucleotide variant.
Coding change: c.1077T>G on transcript NM_003060.4 (MANE Select); coding-DNA position 1077, T replaced by G.
Protein change: p.Phe359Leu; replaces phenylalanine 359 with leucine.
Molecular consequence: missense variant.
Genome position (GRCh38, 1-based): chr5:132,390,714, T>G. VCF-style: chr5-132390714-T-G. GRCh37 (hg19) VCF-style: chr5-131726406-T-G.
Other names: c.1149T>G, p.Phe383Leu (NM_001308122.2); short protein forms F359L, F383L.
Identifiers: ClinVar variation 3385402 (VCV003385402.2).